The following is an entry in ClinVar:

NM_005677.4(COLQ):c.1026C>G (p.Asp342Glu)

Gene: COLQ (collagen like tail subunit of asymmetric acetylcholinesterase; minus strand). Cytogenetic location: 3p25.1.
Variant type: single nucleotide variant.
Coding change: c.1026C>G on transcript NM_005677.4 (MANE Select); coding-DNA position 1026, C replaced by G.
Protein change: p.Asp342Glu; replaces aspartic acid 342 with glutamic acid.
Molecular consequence: missense variant.
Genome position (GRCh38, 1-based): chr3:15,456,508, G>C on the plus strand (C>G on the coding strand, the complement: COLQ is on the minus strand). VCF-style: chr3-15456508-G-C. GRCh37 (hg19) VCF-style: chr3-15498015-G-C.
Other names: c.996C>G, p.Asp332Glu (NM_080538.2); c.924C>G, p.Asp308Glu (NM_080539.4); short protein forms D308E, D332E, D342E.
Identifiers: ClinVar variation 1801824 (VCV001801824.7), dbSNP rs758554049, ClinGen allele CA2275897.

ClinVar aggregate classification (germline): Pathogenic/Likely pathogenic. Review status: criteria provided, multiple submitters, no conflicts (2 of 4 stars). 5 submissions from 5 submitters: Pathogenic (2); Likely pathogenic (3). Last evaluated 2024-10-28.

Conditions:
Synaptic congenital myasthenic syndromes. Identifiers: Orphanet 98915, MedGen C5681640.
Congenital myasthenic syndrome 5. Identifiers: Orphanet 590, MedGen C1864233, MONDO:0011281, OMIM 603034.
Congenital myasthenic syndrome (CMS). Also called: Congenital Myasthenic Syndromes. Identifiers: Orphanet 590, MedGen C0751882, MeSH D020294, MONDO:0018940.

Allele frequency attached by ClinVar (database versions not stated): TOPMed 0.00001.
gnomAD v4.1: 6 of 1,614,066 alleles (0.00037%); highest among the groups gnomAD compares: Middle Eastern, 0.016%; no homozygotes.

Submissions (5):

Women's Health and Genetics/Laboratory Corporation of America, LabCorp
Classification: Likely pathogenic for Congenital myasthenic syndrome. Last evaluated: 2024-10-28. Review status: criteria provided, single submitter. Criteria: LabCorp Variant Classification Summary - May 2015. Collection method: clinical testing. Allele origin: germline.
Comment: Variant summary: COLQ c.1026C>G (p.Asp342Glu) results in a conservative amino acid change in the encoded protein sequence. Three of five in-silico tools predict a damaging effect of the variant on protein function. The variant allele was found at a frequency of 8e-06 in 251472 control chromosomes. c.1026C>G has been reported in the literature in individuals affected with Congenital Myasthenic Syndrome/ acetylcholinesterase deficiency (examples: Hesami_2024, Krenn_2023, Ohno_2000). These data indicate that the variant is likely to be associated with disease. At least one publication reports experimental evidence that this variant affects the normal function of the protein (Ohno_2000). The following publications have been ascertained in the context of this evaluation (PMID: 38475910, 36308527, 10665486). ClinVar contains an entry for this variant (Variation ID: 1801824). Based on the evidence outlined above, the variant was classified as likely pathogenic.

Labcorp Genetics (formerly Invitae), Labcorp
Classification: Pathogenic for Congenital myasthenic syndrome 5. Last evaluated: 2024-08-28. Review status: criteria provided, single submitter. Criteria: Invitae Variant Classification Sherloc (09022015). Collection method: clinical testing. Allele origin: germline.
Comment: This sequence change replaces aspartic acid, which is acidic and polar, with glutamic acid, which is acidic and polar, at codon 342 of the COLQ protein (p.Asp342Glu). This variant is present in population databases (rs758554049, gnomAD no frequency). This missense change has been observed in individual(s) with congenital myasthenic syndrome (PMID: 10665486, 36308527). In at least one individual the data is consistent with being in trans (on the opposite chromosome) from a pathogenic variant. It has also been observed to segregate with disease in related individuals. ClinVar contains an entry for this variant (Variation ID: 1801824). Invitae Evidence Modeling of protein sequence and biophysical properties (such as structural, functional, and spatial information, amino acid conservation, physicochemical variation, residue mobility, and thermodynamic stability) indicates that this missense variant is not expected to disrupt COLQ protein function with a negative predictive value of 80%. Experimental studies have shown that this missense change affects COLQ function (PMID: 10665486). For these reasons, this variant has been classified as Pathogenic.

Neuromuscular Department, Shariati Hospital, Tehran University of Medical Sciences
Classification: Pathogenic for Synaptic congenital myasthenic syndromes. Last evaluated: 2023-01-01. Review status: criteria provided, single submitter. Criteria: ACMG Guidelines, 2015. Collection method: clinical testing. Allele origin: germline. Affected: yes. Observed: 1 variant allele.

Concord Molecular Medicine Laboratory, Concord Repatriation General Hospital
Classification: Likely pathogenic for Congenital myasthenic syndrome 5. Last evaluated: 2022-11-22. Review status: criteria provided, single submitter. Criteria: ACMG Guidelines, 2015. Collection method: clinical testing. Allele origin: germline. Inheritance: Autosomal recessive inheritance. Affected: yes. Observed: 1 variant allele, 1 compound heterozygote.
Comment: In silico analysis by REVEL suggests this variant to be damaging (score: 0.822). The variant has been described in another individual with autosomal recessive CMS5 in a compound heterozygous state [PMID: 10665486]. The c.1026C>G variant is present in a heterozygous state at a very low frequency in control population (gnomAD). The variant protein was shown to be incompetent in anchoring asymmetric AChE to the synaptic basal lamina, and patient expressed no AChE at intercostal endplates [PMID: 8390325, 14702351, 15034283]. The evidence available allows a classification of the variant as "likely pathogenic" (ACMG criteria: PS3_moderate, PM3, PM2_supporting, PP3).

Kariminejad - Najmabadi Pathology & Genetics Center
Classification: Likely pathogenic for Congenital myasthenic syndrome 5. Last evaluated: 2021-04-12. Review status: criteria provided, single submitter. Criteria: ACMG Guidelines, 2015. Collection method: clinical testing. Allele origin: germline. Inheritance: Autosomal recessive inheritance. Affected: yes.
Comment: PS3_Supporting, PM2, PM3?(according to Clingen's criteria), PP3, PP4?

Literature cited by the submitters: PubMed 36308527 (cited by Women's Health and Genetics/Laboratory Corporation of America, LabCorp and Labcorp Genetics (formerly Invitae), Labcorp); PubMed 38475910 (cited by Women's Health and Genetics/Laboratory Corporation of America, LabCorp); PubMed 10665486 (cited by 3 submitters); PubMed 8390325 (cited by Concord Molecular Medicine Laboratory, Concord Repatriation General Hospital); PubMed 14702351 (cited by Concord Molecular Medicine Laboratory, Concord Repatriation General Hospital); PubMed 15034283 (cited by Concord Molecular Medicine Laboratory, Concord Repatriation General Hospital).